The following is an entry in ClinVar:

ClinVar aggregate classification (germline): Uncertain significance (1 of 4 stars; one submission).

Allele frequency attached by ClinVar (database versions not stated): gnomAD exomes below 0.00001; TOPMed below 0.00001.
gnomAD v4.1: 1 of 1,614,040 alleles (0.000062%); highest among the groups gnomAD compares: Non-Finnish European, 0.000085%; no homozygotes.

Submission:

Labcorp Genetics (formerly Invitae), Labcorp
Classification: Uncertain significance. Last evaluated: 2023-06-22. Review status: criteria provided, single submitter. Criteria: Invitae Variant Classification Sherloc (09022015). Collection method: clinical testing. Allele origin: germline.
Comment: Advanced modeling of protein sequence and biophysical properties (such as structural, functional, and spatial information, amino acid conservation, physicochemical variation, residue mobility, and thermodynamic stability) performed at Invitae indicates that this missense variant is not expected to disrupt KMT2A protein function. In summary, the available evidence is currently insufficient to determine the role of this variant in disease. Therefore, it has been classified as a Variant of Uncertain Significance. This variant has not been reported in the literature in individuals affected with KMT2A-related conditions. This sequence change replaces histidine, which is basic and polar, with tyrosine, which is neutral and polar, at codon 2444 of the KMT2A protein (p.His2444Tyr). This variant is not present in population databases (gnomAD no frequency).

NM_001197104.2(KMT2A):c.7330C>T (p.His2444Tyr)

Gene: KMT2A (lysine methyltransferase 2A; plus strand). Cytogenetic location: 11q23.3.
Variant type: single nucleotide variant.
Coding change: c.7330C>T on transcript NM_001197104.2 (MANE Select); coding-DNA position 7330, C replaced by T.
Protein change: p.His2444Tyr; replaces histidine 2444 with tyrosine.
Molecular consequence: missense variant.
Genome position (GRCh38, 1-based): chr11:118,503,222, C>T. VCF-style: chr11-118503222-C-T. GRCh37 (hg19) VCF-style: chr11-118373937-C-T.
Other names: c.7420C>T, p.His2474Tyr (NM_001412597.1); c.7321C>T, p.His2441Tyr (NM_005933.4); short protein forms H2444Y, H2441Y, H2474Y.
Identifiers: ClinVar variation 3011164 (VCV003011164.3), dbSNP rs954292012, ClinGen allele CA229526775.